The following is an entry in ClinVar:

ClinVar aggregate classification (germline): Pathogenic. Review status: criteria provided, multiple submitters, no conflicts (2 of 4 stars). 3 submissions from 3 submitters: Pathogenic (3). Last evaluated 2024-01-29.

Conditions:
Hereditary cancer-predisposing syndrome. Also called: Neoplastic Syndromes, Hereditary; Hereditary Cancer Syndrome; Tumor predisposition; Hereditary neoplastic syndrome. Identifiers: Orphanet 140162, MedGen C0027672, MeSH D009386, MONDO:0015356.
Familial cancer of breast. Also called: Hereditary breast cancer; BREAST CANCER, FAMILIAL; hereditary breast carcinoma. Identifiers: Orphanet 227535, MedGen C0346153, MONDO:0016419, OMIM 114480. Disease mechanism: loss of function.
Ataxia-telangiectasia syndrome (AT). Also called: LOUIS-BAR SYNDROME; Cerebello-oculocutaneous telangiectasia; Immunodeficiency with ataxia telangiectasia; Ataxia-telangiectasia, complementation group D; AT, COMPLEMENTATION GROUP C; Ataxia-telangiectasia, complementation group E. Identifiers: Orphanet 100, MedGen C0004135, MONDO:0008840, OMIM 208900.

Submissions (3):

Myriad Genetics, Inc.
Classification: Pathogenic for Familial cancer of breast. Last evaluated: 2024-01-29. Review status: criteria provided, single submitter. Criteria: Myriad Autosomal Dominant, Autosomal Recessive and X-Linked Classification Criteria (2023). Collection method: clinical testing. Allele origin: unknown.
Comment: This variant is considered pathogenic. This variant creates a frameshift predicted to result in premature protein truncation.

Labcorp Genetics (formerly Invitae), Labcorp
Classification: Pathogenic for Ataxia-telangiectasia syndrome. Last evaluated: 2021-11-02. Review status: criteria provided, single submitter. Criteria: Invitae Variant Classification Sherloc (09022015). Collection method: clinical testing. Allele origin: germline.
Comment: This sequence change creates a premature translational stop signal (p.Gln2133Hisfs*3) in the ATM gene. It is expected to result in an absent or disrupted protein product. Loss-of-function variants in ATM are known to be pathogenic (PMID: 23807571, 25614872). This variant is not present in population databases (gnomAD no frequency). For these reasons, this variant has been classified as Pathogenic. ClinVar contains an entry for this variant (Variation ID: 453628). This variant has not been reported in the literature in individuals affected with ATM-related conditions.

Color Diagnostics, LLC DBA Color Health
Classification: Pathogenic for Hereditary cancer-predisposing syndrome. Last evaluated: 2020-06-22. Review status: criteria provided, single submitter. Criteria: ACMG Guidelines, 2015. Collection method: clinical testing. Allele origin: germline.
Comment: This variant deletes 1 nucleotide in exon 44 of the ATM gene, creating a frameshift and premature translation stop signal. This variant is expected to result in an absent or non-functional protein product. To our knowledge, this variant has not been reported in individuals affected with hereditary cancer in the literature. This variant has not been identified in the general population by the Genome Aggregation Database (gnomAD). Loss of ATM function is a known mechanism of disease. Based on the available evidence, this variant is classified as Pathogenic.

Literature cited by the submitters: PubMed 23807571 (cited by Labcorp Genetics (formerly Invitae), Labcorp); PubMed 25614872 (cited by Labcorp Genetics (formerly Invitae), Labcorp).

NM_000051.4(ATM):c.6399del (p.Gln2133fs)

Genes: ATM (ATM serine/threonine kinase; plus strand), C11orf65 (chromosome 11 open reading frame 65; minus strand). Cytogenetic location: 11q22.3.
Variant type: Deletion.
Coding change: c.6399del on transcript NM_000051.4 (MANE Select); coding-DNA position 6399, one base deleted (A; older notation c.6399delA).
Protein change: p.Gln2133fs; shifts the reading frame from glutamine 2133.
Molecular consequence: frameshift variant. On other transcripts: intron variant (2).
Genome position (GRCh38, 1-based): chr11:108,320,005, A deleted; the last of 2 consecutive A bases (chr11:108,320,004-108,320,005); deleting either gives the same sequence. VCF-style (leftmost placement, unchanged base first): chr11-108320003-CA-C. GRCh37 (hg19) VCF-style: chr11-108190730-CA-C.
Other names: c.6399delA, p.Gln2133Hisfs (NM_000051.3); c.6399del, p.Gln2133fs (NM_001351834.2); c.641-10933del (NM_001330368.2); c.*39-10933del (NM_001351110.2); short protein forms Q2133fs.
Identifiers: ClinVar variation 453628 (VCV000453628.12), dbSNP rs1555116451, ClinGen allele CA658656225.